The following is an entry in ClinVar:

ClinVar aggregate classification (germline): Uncertain significance (1 of 4 stars; one submission).

Submission:

Labcorp Genetics (formerly Invitae), Labcorp
Classification: Uncertain significance. Last evaluated: 2024-11-28. Review status: criteria provided, single submitter. Criteria: Invitae Variant Classification Sherloc (09022015). Collection method: clinical testing. Allele origin: germline.
Comment: This sequence change replaces arginine, which is basic and polar, with glycine, which is neutral and non-polar, at codon 208 of the MYH7B protein (p.Arg208Gly). This variant is not present in population databases (gnomAD no frequency). This variant has not been reported in the literature in individuals affected with MYH7B-related conditions. Invitae Evidence Modeling of protein sequence and biophysical properties (such as structural, functional, and spatial information, amino acid conservation, physicochemical variation, residue mobility, and thermodynamic stability) indicates that this missense variant is not expected to disrupt MYH7B protein function with a negative predictive value of 80%. Algorithms developed to predict the effect of sequence changes on RNA splicing suggest that this variant may disrupt the consensus splice site. In summary, the available evidence is currently insufficient to determine the role of this variant in disease. Therefore, it has been classified as a Variant of Uncertain Significance.

NM_020884.7(MYH7B):c.496C>G (p.Arg166Gly)

Gene: MYH7B (myosin heavy chain 7B; plus strand). Cytogenetic location: 20q11.22.
Variant type: single nucleotide variant.
Coding change: c.496C>G on transcript NM_020884.7 (MANE Select); coding-DNA position 496, C replaced by G.
Protein change: p.Arg166Gly; replaces arginine 166 with glycine.
Molecular consequence: missense variant.
Genome position (GRCh38, 1-based): chr20:34,980,731, C>G. VCF-style: chr20-34980731-C-G. GRCh37 (hg19) VCF-style: chr20-33568534-C-G.
Other names: short protein forms R166G.
Identifiers: ClinVar variation 3697208 (VCV003697208.2).